The following is an entry in ClinVar:

NM_004456.5(EZH2):c.2132A>T (p.His711Leu)

Gene: EZH2 (enhancer of zeste 2 polycomb repressive complex 2 subunit; minus strand). Cytogenetic location: 7q36.1.
Variant type: single nucleotide variant.
Coding change: c.2132A>T on transcript NM_004456.5 (MANE Select); coding-DNA position 2132, A replaced by T.
Protein change: p.His711Leu; replaces histidine 711 with leucine.
Molecular consequence: missense variant.
Genome position (GRCh38, 1-based): chr7:148,809,134, T>A on the plus strand (A>T on the coding strand, the complement: EZH2 is on the minus strand). VCF-style: chr7-148809134-T-A. GRCh37 (hg19) VCF-style: chr7-148506226-T-A.
Other names: c.2117A>T, p.His706Leu (NM_001203247.2); c.2090A>T, p.His697Leu (NM_001203248.2); c.1964A>T, p.His655Leu (NM_001203249.2); c.2000A>T, p.His667Leu (NM_152998.3); short protein forms H697L, H706L, H667L, H711L, H655L.
Identifiers: ClinVar variation 640527 (VCV000640527.9), dbSNP rs1584862929, ClinGen allele CA369712028.
Genomic context (GRCh38, chr7:148,809,134, plus strand): 5'-TAATCAAAAAACAGCTCTTCGCCAGTCTGGATGGCTCTCTTGGCAAAAATACCTATCCTG[T>A]GATCACCGTTAACCATCATAACTGCAAAGAGACACACTGGTGTCAGTGAGCATGAAGACG-3'
Protein context (NP_004447.2, residues 701-721): YAKVMMVNGD[His711Leu]RIGIFAKRAI

ClinVar aggregate classification (germline): Likely pathogenic (1 of 4 stars; one submission).

Conditions:
Weaver syndrome (WVS). Also called: Weaver Smith syndrome; Overgrowth syndrome with accelerated skeletal maturation, unusual facies, and camptodactyly. Identifiers: Orphanet 3447, MedGen C0265210, MONDO:0010193, OMIM 277590.

Submission:

Labcorp Genetics (formerly Invitae), Labcorp
Classification: Likely pathogenic for Weaver syndrome. Last evaluated: 2020-02-21. Review status: criteria provided, single submitter. Criteria: Invitae Variant Classification Sherloc (09022015). Collection method: clinical testing. Allele origin: germline.
Comment: In summary, the currently available evidence indicates that the variant is pathogenic, but additional data are needed to prove that conclusively. Therefore, this variant has been classified as Likely Pathogenic. Algorithms developed to predict the effect of missense changes on protein structure and function are either unavailable or do not agree on the potential impact of this missense change (SIFT: "Deleterious"; PolyPhen-2: "Possibly Damaging"; Align-GVGD: "Class C0"). This variant is not present in population databases (ExAC no frequency). This sequence change replaces histidine with leucine at codon 711 of the EZH2 protein (p.His711Leu). The histidine residue is highly conserved and there is a moderate physicochemical difference between histidine and leucine.